The following is an entry in ClinVar:

NM_016213.5(TRIP4):c.1192G>A (p.Ala398Thr)

Gene: TRIP4 (thyroid hormone receptor interactor 4; plus strand). Cytogenetic location: 15q22.31.
Variant type: single nucleotide variant.
Coding change: c.1192G>A on transcript NM_016213.5 (MANE Select); coding-DNA position 1192, G replaced by A.
Protein change: p.Ala398Thr; replaces alanine 398 with threonine.
Molecular consequence: missense variant. On other transcripts: non-coding transcript variant (1).
Genome position (GRCh38, 1-based): chr15:64,418,562, G>A. VCF-style: chr15-64418562-G-A. GRCh37 (hg19) VCF-style: chr15-64710761-G-A.
Other names: c.502G>A, p.Ala168Thr (NM_001321924.2); short protein forms A168T, A398T.
Identifiers: ClinVar variation 1302586 (VCV001302586.3), dbSNP rs758419619, ClinGen allele CA7609593.

ClinVar aggregate classification (germline): Uncertain significance. Review status: criteria provided, multiple submitters, no conflicts (2 of 4 stars). 2 submissions from 2 submitters: Uncertain significance (2). Last evaluated 2024-01-30.

Conditions:
Inborn genetic diseases. Identifiers: MedGen C0950123, MeSH D030342.

Allele frequency attached by ClinVar (database versions not stated): ExAC 0.00002; gnomAD 0.00002; gnomAD exomes 0.00002 and 0.00004.
gnomAD v4.1: 30 of 1,612,630 alleles (0.0019%); highest among the groups gnomAD compares: Admixed American, 0.022%; no homozygotes.

Submissions (2):

Ambry Genetics
Classification: Uncertain significance for Inborn genetic diseases. Last evaluated: 2024-01-30. Review status: criteria provided, single submitter. Criteria: Ambry Variant Classification Scheme 2023. Collection method: clinical testing. Allele origin: germline.

GeneDx
Classification: Uncertain significance. Last evaluated: 2019-07-22. Review status: criteria provided, single submitter. Criteria: GeneDx Variant Classification Process June 2021. Collection method: clinical testing. Allele origin: germline. Affected: yes.
Comment: Has not been previously published as pathogenic or benign to our knowledge; In silico analysis, which includes protein predictors and evolutionary conservation, supports that this variant does not alter protein structure/function